The following is an entry in ClinVar:

NM_033100.4(CDHR1):c.2228G>A (p.Arg743Gln)

Gene: CDHR1 (cadherin related family member 1; plus strand). Cytogenetic location: 10q23.1.
Variant type: single nucleotide variant.
Coding change: c.2228G>A on transcript NM_033100.4 (MANE Select); coding-DNA position 2228, G replaced by A.
Protein change: p.Arg743Gln; replaces arginine 743 with glutamine.
Molecular consequence: missense variant. On other transcripts: intron variant (1).
Genome position (GRCh38, 1-based): chr10:84,214,269, G>A. VCF-style: chr10-84214269-G-A. GRCh37 (hg19) VCF-style: chr10-85974025-G-A.
Other names: c.2040+921G>A (NM_001171971.3); short protein forms R743Q.
Identifiers: ClinVar variation 1481505 (VCV001481505.7), dbSNP rs767546090, ClinGen allele CA5580179.

ClinVar aggregate classification (germline): Uncertain significance. Review status: criteria provided, multiple submitters, no conflicts (2 of 4 stars). 2 submissions from 2 submitters: Uncertain significance (2). Last evaluated 2025-03-31.

Allele frequency attached by ClinVar (database versions not stated): gnomAD exomes below 0.00001 and 0.00002; ExAC 0.00001; TOPMed 0.00001; gnomAD 0.00002.

Submissions (2):

Labcorp Genetics (formerly Invitae), Labcorp
Classification: Uncertain significance. Last evaluated: 2025-03-31. Review status: criteria provided, single submitter. Criteria: Invitae Variant Classification Sherloc (09022015). Collection method: clinical testing. Allele origin: germline.
Comment: This sequence change replaces arginine, which is basic and polar, with glutamine, which is neutral and polar, at codon 743 of the CDHR1 protein (p.Arg743Gln). This variant is present in population databases (rs767546090, gnomAD 0.002%). This variant has not been reported in the literature in individuals affected with CDHR1-related conditions. ClinVar contains an entry for this variant (Variation ID: 1481505). Invitae Evidence Modeling of protein sequence and biophysical properties (such as structural, functional, and spatial information, amino acid conservation, physicochemical variation, residue mobility, and thermodynamic stability) indicates that this missense variant is not expected to disrupt CDHR1 protein function with a negative predictive value of 95%. In summary, the available evidence is currently insufficient to determine the role of this variant in disease. Therefore, it has been classified as a Variant of Uncertain Significance.

Blueprint Genetics
Classification: Uncertain significance. Last evaluated: 2022-01-17. Review status: criteria provided, single submitter. Criteria: ACMG Guidelines, 2015. Collection method: clinical testing. Allele origin: germline.